The following is an entry in ClinVar:

ClinVar aggregate classification (germline): Uncertain significance (1 of 4 stars; one submission).

Submission:

Mayo Clinic Laboratories, Mayo Clinic
Classification: Uncertain significance. Last evaluated: 2024-03-08. Review status: criteria provided, single submitter. Criteria: ACMG Guidelines, 2015. Collection method: clinical testing. Allele origin: germline. Observed: 1 variant allele.
Comment: BP3

NM_000574.5(CD55):c.61CTG[5] (p.Leu24_Val25insLeu)

Gene: CD55 (CD55 molecule (Cromer blood group); plus strand). Cytogenetic location: 1q32.2.
Variant type: Microsatellite.
Coding change: c.61CTG[5] on transcript NM_000574.5 (MANE Select); five copies in a row of the 3-base unit CTG starting at c.61; the reference has four copies in a row; one copy, 3 bases duplicated; also written c.70_72dup.
Protein change: p.Leu24_Val25insLeu.
Molecular consequence: non-coding transcript variant (on NR_125349.2).
Genome position (GRCh38, 1-based): chr1:207,321,835-207,321,837, CTG duplicated; duplicating any 3 consecutive bases within chr1:207,321,825-207,321,837 gives the same sequence; the position shown is the placement nearest the transcript's 3' end. VCF-style (leftmost placement, unchanged base first): chr1-207321824-G-GGCT. GRCh37 (hg19) VCF-style: chr1-207495169-G-GGCT.
Other names: p.Leu24dup; c.61CTG[5], p.Leu24_Val25insLeu (NM_001114752.3, NM_001300902.2, NM_001300903.2 and 1 more transcripts); c.70_72dup (NM_000574.5).
Identifiers: ClinVar variation 3380558 (VCV003380558.1).